The following is an entry in ClinVar:

NM_001062.4(TCN1):c.524_530del (p.Lys175fs)

Gene: TCN1 (transcobalamin 1; minus strand). Cytogenetic location: 11q12.1.
Variant type: Deletion.
Coding change: c.524_530del on transcript NM_001062.4 (MANE Select); coding-DNA positions 524 to 530, 7 bases deleted (AAAACTA; older notation c.524_530delAAAACTA).
Protein change: p.Lys175fs; shifts the reading frame from lysine 175.
Molecular consequence: frameshift variant.
Genome position (GRCh38, 1-based): chr11:59,861,553-59,861,559, TAGTTTT deleted on the plus strand (AAAACTA on the coding strand, the reverse complement: TCN1 is on the minus strand); deleting any 7 consecutive bases within chr11:59,861,553-59,861,561 gives the same sequence; the c. name uses the placement nearest the transcript's 3' end. VCF-style (leftmost placement, unchanged base first): chr11-59861552-ATAGTTTT-A. GRCh37 (hg19) VCF-style: chr11-59629025-ATAGTTTT-A.
Other names: short protein forms K175fs.
Identifiers: ClinVar variation 2918494 (VCV002918494.3), dbSNP rs767766166, ClinGen allele CA6021990.

ClinVar aggregate classification (germline): Pathogenic (1 of 4 stars; one submission).

Conditions:
Transcobalamin I deficiency (TCN1D). Also called: TCN1 DEFICIENCY; COBALAMIN PSEUDODEFICIENCY DUE TO TRANSCOBALAMIN DEFICIENCY; COBALAMIN R BINDER PROTEIN DEFICIENCY. Identifiers: Orphanet 2967, MedGen C0342700, MONDO:0008659, OMIM 193090.

Submission:

Labcorp Genetics (formerly Invitae), Labcorp
Classification: Pathogenic for Transcobalamin I deficiency. Last evaluated: 2025-01-20. Review status: criteria provided, single submitter. Criteria: Invitae Variant Classification Sherloc (09022015). Collection method: clinical testing. Allele origin: germline.
Comment: This sequence change creates a premature translational stop signal (p.Lys175Ilefs*9) in the TCN1 gene. It is expected to result in an absent or disrupted protein product. Loss-of-function variants in TCN1 are known to be pathogenic (PMID: 19686235). This variant is present in population databases (rs767766166, gnomAD 0.03%). This variant has not been reported in the literature in individuals affected with TCN1-related conditions. ClinVar contains an entry for this variant (Variation ID: 2918494). For these reasons, this variant has been classified as Pathogenic.

Literature cited by the submitters: PubMed 19686235.